The following is an entry in ClinVar:

ClinVar aggregate classification (germline): Uncertain significance (1 of 4 stars; one submission).

Conditions:
Nephrotic syndrome, type 11 (NPHS11). Identifiers: Orphanet 656, MedGen C4225228, MONDO:0014752, OMIM 616730.

Submission:

3billion
Classification: Uncertain significance for Nephrotic syndrome, type 11. Last evaluated: 2022-09-01. Review status: criteria provided, single submitter. Criteria: ACMG Guidelines, 2015. Collection method: clinical testing. Allele origin: germline. Affected: yes. Observed: 1 homozygote.
Comment: The variant is not observed in the gnomAD v2.1.1 dataset. Inframe deletion located in a nonrepeat region is predicted to change the length of the protein and disrupt normal protein function. Therefore, this variant is classified as uncertain significance according to the recommendation of ACMG/AMP guideline.

NM_020401.4(NUP107):c.824_826del (p.Ser275del)

Gene: NUP107 (nucleoporin 107; plus strand). Cytogenetic location: 12q15.
Variant type: Deletion.
Coding change: c.824_826del on transcript NM_020401.4 (MANE Select); coding-DNA positions 824 to 826, 3 bases deleted (GTA; older notation c.824_826delGTA).
Protein change: p.Ser275del; deletes serine 275.
Molecular consequence: inframe deletion.
Genome position (GRCh38, 1-based): chr12:68,710,027-68,710,029, GTA deleted; deleting any 3 consecutive bases within chr12:68,710,026-68,710,029 gives the same sequence; the c. name uses the placement nearest the transcript's 3' end. VCF-style (leftmost placement, unchanged base first): chr12-68710025-GAGT-G. GRCh37 (hg19) VCF-style: chr12-69103805-GAGT-G.
Other names: c.737_739del, p.Ser246del (NM_001330192.2); short protein forms S246del, S275del.
Identifiers: ClinVar variation 1705532 (VCV001705532.1), dbSNP rs2498950677, ClinGen allele CA2580086662.